The following is an entry in ClinVar:

ClinVar aggregate classification (germline): Likely benign. Review status: criteria provided, multiple submitters, no conflicts (2 of 4 stars). 2 submissions from 2 submitters: Likely benign (2). Last evaluated 2024-11-04.

Conditions:
Familial cancer of breast. Also called: Hereditary breast cancer; hereditary breast carcinoma; BREAST CANCER, FAMILIAL. Identifiers: Orphanet 227535, MedGen C0346153, MONDO:0016419, OMIM 114480. Disease mechanism: loss of function.
Fanconi anemia complementation group J. Also called: BRIP1-Related Fanconi Anemia. Identifiers: Orphanet 84, MedGen C1836860, MONDO:0012187, OMIM 609054.

Allele frequency attached by ClinVar (database versions not stated): gnomAD exomes below 0.00001.
gnomAD v4.1: 6 of 1,608,210 alleles (0.00037%); highest among the groups gnomAD compares: Non-Finnish European, 0.00051%; no homozygotes.

Submissions (2):

Labcorp Genetics (formerly Invitae), Labcorp
Classification: Likely benign for Familial cancer of breast; Fanconi anemia complementation group J. Last evaluated: 2024-11-04. Review status: criteria provided, single submitter. Criteria: Invitae Variant Classification Sherloc (09022015). Collection method: clinical testing. Allele origin: germline.

Myriad Genetics, Inc.
Classification: Likely benign for Familial cancer of breast. Last evaluated: 2024-08-27. Review status: criteria provided, single submitter. Criteria: Myriad Autosomal Dominant, Autosomal Recessive and X-Linked Classification Criteria (2023). Collection method: clinical testing. Allele origin: unknown.
Comment: This variant is considered likely benign. This variant is intronic and is not expected to impact mRNA splicing.

NM_032043.3(BRIP1):c.1340+8G>T

Gene: BRIP1 (BRCA1 interacting DNA helicase 1; minus strand). Cytogenetic location: 17q23.2.
Variant type: single nucleotide variant.
Coding change: c.1340+8G>T on transcript NM_032043.3 (MANE Select); 8 bases into the intron after coding-DNA position 1340, G replaced by T.
Molecular consequence: intron variant.
Genome position (GRCh38, 1-based): chr17:61,799,092, C>A on the plus strand (G>T on the coding strand, the complement: BRIP1 is on the minus strand). VCF-style: chr17-61799092-C-A. GRCh37 (hg19) VCF-style: chr17-59876453-C-A.
Identifiers: ClinVar variation 1631409 (VCV001631409.10), dbSNP rs2145298781, ClinGen allele CA2573154297.